The following is an entry in ClinVar:

NM_001105206.3(LAMA4):c.2354-114dup

Gene: LAMA4 (laminin subunit alpha 4; minus strand). Cytogenetic location: 6q21.
Variant type: Duplication.
Coding change: c.2354-114dup on transcript NM_001105206.3 (MANE Select); 114 bases into the intron before coding-DNA position 2354, one base duplicated (A; older notation c.2354-114dupA).
Molecular consequence: intron variant.
Genome position (GRCh38, 1-based): chr6:112,145,043, T duplicated on the plus strand (A on the coding strand, the reverse complement: LAMA4 is on the minus strand); the first of 5 consecutive T bases (chr6:112,145,043-112,145,047); duplicating any one gives the same sequence. VCF-style (leftmost placement, unchanged base first): chr6-112145042-A-AT. GRCh37 (hg19) VCF-style: chr6-112466244-A-AT.
Other names: c.2333-114dup (NM_002290.5, NM_001105207.3).
Identifiers: ClinVar variation 675748 (VCV000675748.1), dbSNP rs139539792, ClinGen allele CA144896327.

ClinVar aggregate classification (germline): Likely benign (1 of 4 stars; one submission).

Submission:

GeneDx
Classification: Likely benign. Last evaluated: 2018-06-14. Review status: criteria provided, single submitter. Criteria: GeneDx Variant Classification (06012015). Collection method: clinical testing. Allele origin: germline. Affected: yes.
Comment: This variant is considered likely benign or benign based on one or more of the following criteria: it is a conservative change, it occurs at a poorly conserved position in the protein, it is predicted to be benign by multiple in silico algorithms, and/or has population frequency not consistent with disease.